The following is an entry in ClinVar:

ClinVar aggregate classification (germline): Uncertain significance (1 of 4 stars; one submission).

Submission:

Labcorp Genetics (formerly Invitae), Labcorp
Classification: Uncertain significance. Last evaluated: 2021-04-01. Review status: criteria provided, single submitter. Criteria: Invitae Variant Classification Sherloc (09022015). Collection method: clinical testing. Allele origin: germline.
Comment: The frequency data for this variant in the population databases is considered unreliable, as metrics indicate insufficient coverage at this position in the ExAC database. In summary, the available evidence is currently insufficient to determine the role of this variant in disease. Therefore, it has been classified as a Variant of Uncertain Significance. Algorithms developed to predict the effect of missense changes on protein structure and function are either unavailable or do not agree on the potential impact of this missense change (SIFT: "Tolerated"; PolyPhen-2: "Not Available"; Align-GVGD: "Class C0"). This variant has not been reported in the literature in individuals with PDZD7-related conditions. This sequence change replaces methionine with isoleucine at codon 807 of the PDZD7 protein (p.Met807Ile). The methionine residue is weakly conserved and there is a small physicochemical difference between methionine and isoleucine.

NM_001195263.2(PDZD7):c.2421G>A (p.Met807Ile)

Gene: PDZD7 (PDZ domain containing 7; minus strand). Cytogenetic location: 10q24.31.
Variant type: single nucleotide variant.
Coding change: c.2421G>A on transcript NM_001195263.2 (MANE Select); coding-DNA position 2421, G replaced by A.
Protein change: p.Met807Ile; replaces methionine 807 with isoleucine.
Molecular consequence: missense variant.
Genome position (GRCh38, 1-based): chr10:101,010,468, C>T on the plus strand (G>A on the coding strand, the complement: PDZD7 is on the minus strand). VCF-style: chr10-101010468-C-T. GRCh37 (hg19) VCF-style: chr10-102770225-C-T.
Other names: short protein forms M807I.
Identifiers: ClinVar variation 1383878 (VCV001383878.6), dbSNP rs2133998209, ClinGen allele CA378224257.